The following is an entry in ClinVar:

NC_000004.11:g.(?_100495488)_(100510917_?)del

Gene: MTTP (microsomal triglyceride transfer protein; plus strand). Cytogenetic location: 4q23.
Variant type: Deletion.
Identifiers: ClinVar variation 1401466 (VCV001401466.4).

ClinVar aggregate classification (germline): Pathogenic (1 of 4 stars; one submission).

Submission:

Labcorp Genetics (formerly Invitae), Labcorp
Classification: Pathogenic. Last evaluated: 2021-09-15. Review status: criteria provided, single submitter. Criteria: Invitae Variant Classification Sherloc (09022015). Collection method: clinical testing. Allele origin: germline.
Comment: For these reasons, this variant has been classified as Pathogenic. This variant has not been reported in the literature in individuals affected with MTTP-related conditions. This variant is a gross deletion of the genomic region encompassing exon(s) 2-5 of the MTTP gene, which includes the initiator codon. This deletion extends beyond the assayed region for this gene and therefore may encompass additional genes. It is expected to result in an absent or disrupted protein product. Loss-of-function variants in MTTP are known to be pathogenic (PMID: 8533758, 9671739).

Literature cited by the submitters: PubMed 8533758; PubMed 9671739.